The following is an entry in ClinVar:

ClinVar aggregate classification (germline): Uncertain significance (1 of 4 stars; one submission).

gnomAD v4.1: 10 of 1,606,650 alleles (0.00062%); highest among the groups gnomAD compares: East Asian, 0.02%; no homozygotes.

Submission:

Labcorp Genetics (formerly Invitae), Labcorp
Classification: Uncertain significance. Last evaluated: 2025-05-18. Review status: criteria provided, single submitter. Criteria: Invitae Variant Classification Sherloc (09022015). Collection method: clinical testing. Allele origin: germline.
Comment: This sequence change replaces proline, which is neutral and non-polar, with leucine, which is neutral and non-polar, at codon 10 of the PRKCSH protein (p.Pro10Leu). This variant is present in population databases (rs777087087, gnomAD 0.04%). This variant has not been reported in the literature in individuals affected with PRKCSH-related conditions. An algorithm developed to predict the effect of missense changes on protein structure and function outputs the following: PolyPhen-2: "Not Available". The leucine amino acid residue is found in multiple mammalian species, which suggests that this missense change does not adversely affect protein function. In summary, the available evidence is currently insufficient to determine the role of this variant in disease. Therefore, it has been classified as a Variant of Uncertain Significance.

NM_001289104.2(PRKCSH):c.29C>T (p.Pro10Leu)

Genes: PRKCSH (PRKCSH beta subunit of glucosidase II; plus strand), LOC130063575 (ATAC-STARR-seq lymphoblastoid active region 14018; plus strand). Cytogenetic location: 19p13.2.
Variant type: single nucleotide variant.
Coding change: c.29C>T on transcript NM_001289104.2 (MANE Select); coding-DNA position 29, C replaced by T.
Protein change: p.Pro10Leu; replaces proline 10 with leucine.
Molecular consequence: missense variant.
Genome position (GRCh38, 1-based): chr19:11,436,146, C>T. VCF-style: chr19-11436146-C-T. GRCh37 (hg19) VCF-style: chr19-11546967-C-T.
Other names: c.29C>T, p.Pro10Leu (NM_001001329.3, NM_001289102.2, NM_001289103.2 and 3 more transcripts); short protein forms P10L.
Identifiers: ClinVar variation 4700518 (VCV004700518.1).